The following is an entry in ClinVar:

ClinVar aggregate classification (germline): Uncertain significance (1 of 4 stars; one submission).

Conditions:
POLD1-related polyposis and colorectal cancer syndrome (CRCS10). Also called: Colorectal cancer 10; COLORECTAL CANCER, SUSCEPTIBILITY TO, ON CHROMOSOME 19q; Colorectal cancer, susceptibility to, 10. Identifiers: Orphanet 220460, MedGen C2675481, MONDO:0012953, OMIM 612591.

Submission:

Labcorp Genetics (formerly Invitae), Labcorp
Classification: Uncertain significance for POLD1-related polyposis and colorectal cancer syndrome. Last evaluated: 2019-08-10. Review status: criteria provided, single submitter. Criteria: Invitae Variant Classification Sherloc (09022015). Collection method: clinical testing. Allele origin: germline.
Comment: In summary, the available evidence is currently insufficient to determine the role of this variant in disease. Therefore, it has been classified as a Variant of Uncertain Significance. Algorithms developed to predict the effect of missense changes on protein structure and function are either unavailable or do not agree on the potential impact of this missense change (SIFT: "Tolerated"; PolyPhen-2: "Possibly Damaging"; Align-GVGD: "Class C0"). This variant has not been reported in the literature in individuals with POLD1-related conditions. This variant is not present in population databases (ExAC no frequency). This sequence change replaces glutamine with arginine at codon 880 of the POLD1 protein (p.Gln880Arg). The glutamine residue is moderately conserved and there is a small physicochemical difference between glutamine and arginine.

NM_002691.4(POLD1):c.2639A>G (p.Gln880Arg)

Gene: POLD1 (DNA polymerase delta 1, catalytic subunit; plus strand). Cytogenetic location: 19q13.33.
Variant type: single nucleotide variant.
Coding change: c.2639A>G on transcript NM_002691.4 (MANE Select); coding-DNA position 2639, A replaced by G.
Protein change: p.Gln880Arg; replaces glutamine 880 with arginine.
Molecular consequence: missense variant. On other transcripts: non-coding transcript variant (1).
Genome position (GRCh38, 1-based): chr19:50,415,512, A>G. VCF-style: chr19-50415512-A-G. GRCh37 (hg19) VCF-style: chr19-50918769-A-G.
Other names: c.2639A>G, p.Gln880Arg (NM_001256849.1); c.2717A>G, p.Gln906Arg (NM_001308632.1); short protein forms Q880R, Q906R.
Identifiers: ClinVar variation 959888 (VCV000959888.9), dbSNP rs2039247324, ClinGen allele CA406985521.